The following is an entry in ClinVar:

ClinVar aggregate classification (germline): Benign (1 of 4 stars; one submission).

Allele frequency attached by ClinVar (database versions not stated): gnomAD 0.02986 and 0.03092; TOPMed 0.03186; 1000 Genomes Project 0.03454; 1000 Genomes Project 30x 0.03498.
gnomAD v4.1: 4,520 of 152,278 alleles (3%); highest among the groups gnomAD compares: African/African-American, 7.7%; 145 homozygotes.

Submission:

GeneDx
Classification: Benign. Last evaluated: 2018-06-14. Review status: criteria provided, single submitter. Criteria: GeneDx Variant Classification (06012015). Collection method: clinical testing. Allele origin: germline. Affected: yes.
Comment: This variant is considered likely benign or benign based on one or more of the following criteria: it is a conservative change, it occurs at a poorly conserved position in the protein, it is predicted to be benign by multiple in silico algorithms, and/or has population frequency not consistent with disease.

NM_001035.3(RYR2):c.2907-172T>G

Gene: RYR2 (ryanodine receptor 2; plus strand). Cytogenetic location: 1q43.
Variant type: single nucleotide variant.
Coding change: c.2907-172T>G on transcript NM_001035.3 (MANE Select); 172 bases into the intron before coding-DNA position 2907, T replaced by G.
Molecular consequence: intron variant.
Genome position (GRCh38, 1-based): chr1:237,548,259, T>G. VCF-style: chr1-237548259-T-G. GRCh37 (hg19) VCF-style: chr1-237711559-T-G.
Identifiers: ClinVar variation 673850 (VCV000673850.1), dbSNP rs7521938, ClinGen allele CA39810727.